The following is an entry in ClinVar:

NM_001042492.3(NF1):c.6299_6305dup (p.Leu2103fs)

Gene: NF1 (neurofibromin 1; plus strand). Cytogenetic location: 17q11.2.
Variant type: Duplication.
Coding change: c.6299_6305dup on transcript NM_001042492.3 (MANE Select); coding-DNA positions 6299 to 6305, 7 bases duplicated (TTCCCTA; older notation c.6299_6305dupTTCCCTA).
Protein change: p.Leu2103fs; shifts the reading frame from leucine 2103.
Molecular consequence: frameshift variant.
Genome position (GRCh38, 1-based): chr17:31,336,786-31,336,792, TTCCCTA duplicated. VCF-style (leftmost placement, unchanged base first): chr17-31336785-C-CTTCCCTA. GRCh37 (hg19) VCF-style: chr17-29663803-C-CTTCCCTA.
Other names: c.6236_6242dup, p.Leu2082Serfs (NM_000267.4); short protein forms L2082fs, L2103fs.
Identifiers: ClinVar variation 3646438 (VCV003646438.2).
Genomic context (GRCh38, chr17:31,336,785, plus strand): 5'-ATTTTAGCACGCTACATGCTGATGCTGTCCTTCAACAATTCCCTTGATGTGGCAGCTCAT[C>CTTCCCTA]TTCCCTACCTCTTCCACGTTGTTACTTTCTTAGTAGCCACAGGTCCGCTCTCCCTTAGAG-3'

ClinVar aggregate classification (germline): Pathogenic (1 of 4 stars; one submission).

Conditions:
Neurofibromatosis, type 1 (NF1). Also called: Peripheral type neurofibromatosis; VON RECKLINGHAUSEN DISEASE; Neurofibromatosis, type I; NEUROFIBROMATOSIS, TYPE I, SOMATIC. Identifiers: Orphanet 636, MedGen C0027831, MONDO:0018975, OMIM 162200. Disease mechanism: loss of function.

Submission:

Labcorp Genetics (formerly Invitae), Labcorp
Classification: Pathogenic for Neurofibromatosis, type 1. Last evaluated: 2024-03-17. Review status: criteria provided, single submitter. Criteria: Invitae Variant Classification Sherloc (09022015). Collection method: clinical testing. Allele origin: germline.
Comment: This sequence change creates a premature translational stop signal (p.Leu2082Serfs*19) in the NF1 gene. It is expected to result in an absent or disrupted protein product. Loss-of-function variants in NF1 are known to be pathogenic (PMID: 10712197, 23913538). This variant is not present in population databases (gnomAD no frequency). This variant has not been reported in the literature in individuals affected with NF1-related conditions. For these reasons, this variant has been classified as Pathogenic.

Literature cited by the submitters: PubMed 10712197; PubMed 23913538.